The following is an entry in ClinVar:

ClinVar aggregate classification (germline): Uncertain significance. Review status: criteria provided, multiple submitters, no conflicts (2 of 4 stars). 2 submissions from 2 submitters: Uncertain significance (2). Last evaluated 2025-06-10.

Conditions:
Inborn genetic diseases. Identifiers: MedGen C0950123, MeSH D030342.
Muscle AMP deaminase deficiency (MMDD). Also called: AMPD1 DEFICIENCY; ADENOSINE MONOPHOSPHATE DEAMINASE-1 DEFICIENCY, MYOPATHY DUE TO; Myoadenylate deaminase deficiency, myopathy due to; Adenosine monophosphate deaminase 1 deficiency; AMP deaminase 1 deficiency; Adenosine Monophosphate Deaminase 1. Identifiers: Orphanet 45, MedGen C3714933, MONDO:0014220, OMIM 615511.

Submissions (2):

Ambry Genetics
Classification: Uncertain significance for Inborn genetic diseases. Last evaluated: 2025-06-10. Review status: criteria provided, single submitter. Criteria: Ambry Variant Classification Scheme 2023. Collection method: clinical testing. Allele origin: germline.

Labcorp Genetics (formerly Invitae), Labcorp
Classification: Uncertain significance for Muscle AMP deaminase deficiency. Last evaluated: 2024-01-22. Review status: criteria provided, single submitter. Criteria: Invitae Variant Classification Sherloc (09022015). Collection method: clinical testing. Allele origin: germline.
Comment: This sequence change replaces serine, which is neutral and polar, with leucine, which is neutral and non-polar, at codon 187 of the AMPD1 protein (p.Ser187Leu). This variant is not present in population databases (gnomAD no frequency). This variant has not been reported in the literature in individuals affected with AMPD1-related conditions. An algorithm developed to predict the effect of missense changes on protein structure and function (PolyPhen-2) suggests that this variant is likely to be disruptive. In summary, the available evidence is currently insufficient to determine the role of this variant in disease. Therefore, it has been classified as a Variant of Uncertain Significance.

NM_000036.3(AMPD1):c.461C>T (p.Ser154Leu)

Gene: AMPD1 (adenosine monophosphate deaminase 1; minus strand). Cytogenetic location: 1p13.2.
Variant type: single nucleotide variant.
Coding change: c.461C>T on transcript NM_000036.3 (MANE Select); coding-DNA position 461, C replaced by T.
Protein change: p.Ser154Leu; replaces serine 154 with leucine.
Molecular consequence: missense variant.
Genome position (GRCh38, 1-based): chr1:114,684,285, G>A on the plus strand (C>T on the coding strand, the complement: AMPD1 is on the minus strand). VCF-style: chr1-114684285-G-A. GRCh37 (hg19) VCF-style: chr1-115226906-G-A.
Other names: c.560C>T (NM_000036.2); c.449C>T, p.Ser150Leu (NM_001172626.2); short protein forms S154L, S150L.
Identifiers: ClinVar variation 2903960 (VCV002903960.4), dbSNP rs1211976677, ClinGen allele CA341752617.